The following is an entry in ClinVar:

ClinVar aggregate classification (germline): Pathogenic (1 of 4 stars; one submission).

Conditions:
Kleefstra syndrome 1 (KLEFS1). Identifiers: Orphanet 261494, MedGen C0795833, MONDO:0027407, OMIM 610253.

Submission:

Laboratory of Genetics, Children's Clinical University Hospital Latvia
Classification: Pathogenic for Kleefstra syndrome 1. Review status: criteria provided, single submitter. Criteria: ACMG Guidelines, 2015. Collection method: curation. Allele origin: germline. Affected: yes.
Comment: Inheritance unknown

Literature cited by the submitters: PubMed 39013458.

NM_024757.5(EHMT1):c.1766del (p.Pro589fs)

Gene: EHMT1 (euchromatic histone lysine methyltransferase 1; plus strand). Cytogenetic location: 9q34.3.
Variant type: Deletion.
Coding change: c.1766del on transcript NM_024757.5 (MANE Select); coding-DNA position 1766, one base deleted (C; older notation c.1766delC).
Protein change: p.Pro589fs; shifts the reading frame from proline 589.
Molecular consequence: frameshift variant.
Genome position (GRCh38, 1-based): chr9:137,775,227, C deleted; the last of 2 consecutive C bases (chr9:137,775,226-137,775,227); deleting either gives the same sequence. VCF-style (leftmost placement, unchanged base first): chr9-137775225-TC-T. GRCh37 (hg19) VCF-style: chr9-140669677-TC-T.
Other names: c.1766del, p.Pro589fs (NM_001145527.2); c.1673del, p.Pro558fs (NM_001354259.2); c.1745del, p.Pro582fs (NM_001354263.2); short protein forms P558fs, P582fs, P589fs.
Identifiers: ClinVar variation 3236873 (VCV003236873.1).